The following is an entry in ClinVar:

NM_000274.4(OAT):c.2T>C (p.Met1Thr)

Gene: OAT (ornithine aminotransferase; minus strand). Cytogenetic location: 10q26.13.
Variant type: single nucleotide variant.
Coding change: c.2T>C on transcript NM_000274.4 (MANE Select); coding-DNA position 2, T replaced by C.
Protein change: p.Met1Thr; changes the start codon (methionine 1).
Molecular consequence: missense variant, initiator codon variant. On other transcripts: intron variant (2).
Genome position (GRCh38, 1-based): chr10:124,412,170, A>G on the plus strand (T>C on the coding strand, the complement: OAT is on the minus strand). VCF-style: chr10-124412170-A-G. GRCh37 (hg19) VCF-style: chr10-126100739-A-G.
Other names: c.-215-3205T>C (NM_001171814.2); c.-515-3205T>C (NM_001322974.2); c.2T>C, p.Met1Thr (NM_001322965.2, NM_001322966.2, NM_001322967.2 and 4 more transcripts); short protein forms M1T.
Identifiers: ClinVar variation 4818080 (VCV004818080.1).

ClinVar aggregate classification (germline): Likely pathogenic (1 of 4 stars; one submission).

Conditions:
Ornithine aminotransferase deficiency (GACR). Also called: HYPERORNITHINEMIA WITH GYRATE ATROPHY OF CHOROID AND RETINA; OAT DEFICIENCY; OKT DEFICIENCY; Ornithine ketoacid aminotransferase deficiency; Gyrate atrophy; Gyrate atrophy of choroid and retina. Identifiers: Orphanet 414, MedGen C0018425, MONDO:0009796, OMIM 258870.

Submission:

Natera, Inc.
Classification: Likely pathogenic for Gyrate atrophy. Last evaluated: 2024-06-09. Review status: criteria provided, single submitter. Criteria: Natera Variant Classification Schema (03/2026). Collection method: clinical testing. Allele origin: germline.
Comment: The c.2T>C variant in OAT is predicted to result in start loss due to disruption of the initiator methionine. This variant is expected to result in nonsense mediated decay, truncation, or a dysfunctional protein product. This variant is rare in the general population with a frequency below the threshold expected for the associated phenotype(s). Given the available evidence, this variant is classified as Likely Pathogenic.